The following is an entry in ClinVar:

NM_001395513.1(TMPRSS9):c.2494G>A (p.Gly832Arg)

Gene: TMPRSS9 (transmembrane serine protease 9; plus strand). Cytogenetic location: 19p13.3.
Variant type: single nucleotide variant.
Coding change: c.2494G>A on transcript NM_001395513.1 (MANE Select); coding-DNA position 2494, G replaced by A.
Protein change: p.Gly832Arg; replaces glycine 832 with arginine.
Molecular consequence: missense variant.
Genome position (GRCh38, 1-based): chr19:2,422,193, G>A. VCF-style: chr19-2422193-G-A. GRCh37 (hg19) VCF-style: chr19-2422191-G-A.
Other names: c.1798G>A, p.Gly600Arg (NM_001385642.1); c.2392G>A, p.Gly798Arg (NM_182973.3); short protein forms G798R, G600R, G832R.
Identifiers: ClinVar variation 790377 (VCV000790377.27), dbSNP rs34615361, ClinGen allele CA9066707.

ClinVar aggregate classification (germline): Benign/Likely benign. Review status: criteria provided, multiple submitters, no conflicts (2 of 4 stars). 3 submissions from 3 submitters: Benign (2); Likely benign (1). Last evaluated 2024-03-01.

Allele frequency attached by ClinVar (database versions not stated): 1000 Genomes Project 0.00339; 1000 Genomes Project 30x 0.00344; gnomAD 0.00458 and 0.00468; TOPMed 0.00474; ESP Exome Variant Server 0.00492; gnomAD exomes 0.00539 and 0.00657; ExAC 0.00547.
gnomAD v4.1: 9,811 of 1,537,734 alleles (0.64%); highest among the groups gnomAD compares: Admixed American, 0.82%; 48 homozygotes.

Submissions (3):

CeGaT Center for Human Genetics Tuebingen
Classification: Likely benign. Last evaluated: 2024-03-01. Review status: criteria provided, single submitter. Criteria: CeGaT Center For Human Genetics Tuebingen Variant Classification Criteria Version 2. Collection method: clinical testing. Allele origin: germline. Affected: yes. Observed: 1 variant allele.
Comment: TMPRSS9: BP4, BS2

Labcorp Genetics (formerly Invitae), Labcorp
Classification: Benign. Last evaluated: 2019-12-31. Review status: criteria provided, single submitter. Criteria: Invitae Variant Classification Sherloc (09022015). Collection method: clinical testing. Allele origin: germline.

Breakthrough Genomics
Classification: Benign. Review status: criteria provided, single submitter. Criteria: ACMG Guidelines, 2015. Collection method: not provided. Allele origin: germline. Inheritance: Unknown mechanism. Affected: yes.